The following is an entry in ClinVar:

ClinVar aggregate classification (germline): Uncertain significance (1 of 4 stars; one submission).

Conditions:
Peroxisome biogenesis disorder 11A (Zellweger). Also called: Peroxisome biogenesis disorder 11A. Identifiers: Orphanet 912, MedGen C3554000, MONDO:0013949, OMIM 614883.

Submission:

Labcorp Genetics (formerly Invitae), Labcorp
Classification: Uncertain significance for Peroxisome biogenesis disorder 11A (Zellweger). Last evaluated: 2021-08-09. Review status: criteria provided, single submitter. Criteria: Invitae Variant Classification Sherloc (09022015). Collection method: clinical testing. Allele origin: germline.
Comment: This sequence change replaces valine with methionine at codon 51 of the PEX13 protein (p.Val51Met). The valine residue is moderately conserved and there is a small physicochemical difference between valine and methionine. In summary, the available evidence is currently insufficient to determine the role of this variant in disease. Therefore, it has been classified as a Variant of Uncertain Significance. Algorithms developed to predict the effect of missense changes on protein structure and function (SIFT, PolyPhen-2, Align-GVGD) all suggest that this variant is likely to be tolerated. This variant has not been reported in the literature in individuals affected with PEX13-related conditions. This variant is not present in population databases (ExAC no frequency).

NM_002618.4(PEX13):c.151G>A (p.Val51Met)

Gene: PEX13 (peroxisomal biogenesis factor 13; plus strand). Cytogenetic location: 2p15.
Variant type: single nucleotide variant.
Coding change: c.151G>A on transcript NM_002618.4 (MANE Select); coding-DNA position 151, G replaced by A.
Protein change: p.Val51Met; replaces valine 51 with methionine.
Molecular consequence: missense variant.
Genome position (GRCh38, 1-based): chr2:61,031,477, G>A. VCF-style: chr2-61031477-G-A. GRCh37 (hg19) VCF-style: chr2-61258612-G-A.
Other names: short protein forms V51M.
Identifiers: ClinVar variation 1467008 (VCV001467008.6), dbSNP rs2104803197, ClinGen allele CA346941252.